The following is an entry in ClinVar:

ClinVar aggregate classification (germline): Likely benign. Review status: criteria provided, multiple submitters, no conflicts (2 of 4 stars). 2 submissions from 2 submitters: Likely benign (2). Last evaluated 2026-08-01.

gnomAD v4.1: 12 of 1,613,746 alleles (0.00074%); highest among the groups gnomAD compares: East Asian, 0.0089%; no homozygotes.

Submissions (2):

CeGaT Center for Human Genetics Tuebingen
Classification: Likely benign. Last evaluated: 2026-08-01. Review status: criteria provided, single submitter. Criteria: CeGaT Center For Human Genetics Tuebingen Variant Classification Criteria Version 2. Collection method: clinical testing. Allele origin: germline. Affected: yes. Observed: 2 variant alleles.
Comment: SON: BP4, BP7

Labcorp Genetics (formerly Invitae), Labcorp
Classification: Likely benign. Last evaluated: 2025-06-22. Review status: criteria provided, single submitter. Criteria: Invitae Variant Classification Sherloc (09022015). Collection method: clinical testing. Allele origin: germline.

NM_138927.4(SON):c.2244C>T (p.Ser748=)

Gene: SON (SON DNA and RNA binding protein; plus strand). Cytogenetic location: 21q22.11.
Variant type: single nucleotide variant.
Coding change: c.2244C>T on transcript NM_138927.4 (MANE Select); coding-DNA position 2244, C replaced by T.
Protein change: p.Ser748=; no amino-acid change (serine 748 retained).
Molecular consequence: synonymous variant. On other transcripts: non-coding transcript variant (1), intron variant (1).
Genome position (GRCh38, 1-based): chr21:33,551,475, C>T. VCF-style: chr21-33551475-C-T. GRCh37 (hg19) VCF-style: chr21-34923781-C-T.
Other names: c.244+5096C>T (NM_001291412.3); c.2244C>T, p.Ser748= (NM_001291411.2, NM_032195.3).
Identifiers: ClinVar variation 3612467 (VCV003612467.6).